The following is an entry in ClinVar:

ClinVar aggregate classification (germline): Benign. Review status: criteria provided, multiple submitters, no conflicts (2 of 4 stars). 3 submissions from 3 submitters: Benign (3). Last evaluated 2018-11-12.

Allele frequency attached by ClinVar (database versions not stated): ESP Exome Variant Server 0.26306; gnomAD 0.28724 and 0.29101; TOPMed 0.29444; gnomAD exomes 0.31307 and 0.32196; ExAC 0.32094; 1000 Genomes Project 30x 0.33339; 1000 Genomes Project 0.34065.
gnomAD v4.1: 501,714 of 1,612,516 alleles (31%); highest among the groups gnomAD compares: East Asian, 60%; 81,152 homozygotes.

Submissions (3):

GeneDx
Classification: Benign. Last evaluated: 2018-11-12. Review status: criteria provided, single submitter. Criteria: GeneDx Variant Classification Process June 2021. Collection method: clinical testing. Allele origin: germline. Affected: yes.

Laboratory for Molecular Medicine, Mass General Brigham Personalized Medicine
Classification: Benign. Last evaluated: 2016-03-28. Review status: criteria provided, single submitter. Criteria: LMM Criteria. Collection method: clinical testing. Allele origin: germline.
Comment: Variant identified in a genome or exome case(s) and assessed due to predicted null impact of the variant or pathogenic assertions in the literature or databases. Disclaimer: This variant has not undergone full assessment. The following are preliminary notes: Frequency

Breakthrough Genomics
Classification: Benign. Review status: criteria provided, single submitter. Criteria: ACMG Guidelines, 2015. Collection method: not provided. Allele origin: germline. Inheritance: Autosomal dominant inheritance. Affected: yes.

NM_002458.3(MUC5B):c.9452C>T (p.Thr3151Met)

Genes: MUC5B (mucin 5B, oligomeric mucus/gel-forming; plus strand), MUC5B-AS1 (MUC5B antisense RNA 1; minus strand). Cytogenetic location: 11p15.5.
Variant type: single nucleotide variant.
Coding change: c.9452C>T on transcript NM_002458.3 (MANE Select); coding-DNA position 9452, C replaced by T.
Protein change: p.Thr3151Met; replaces threonine 3151 with methionine.
Molecular consequence: missense variant.
Genome position (GRCh38, 1-based): chr11:1,246,332, C>T. VCF-style: chr11-1246332-C-T. GRCh37 (hg19) VCF-style: chr11-1267562-C-T.
Other names: short protein forms T3151M.
Identifiers: ClinVar variation 403151 (VCV000403151.7), dbSNP rs60268710, ClinGen allele CA5806996.